The following is an entry in ClinVar:

ClinVar aggregate classification (germline): Uncertain significance (1 of 4 stars; one submission).

Conditions:
Autosomal recessive limb-girdle muscular dystrophy type 2P. Also called: MUSCULAR DYSTROPHY, LIMB-GIRDLE, TYPE 2P; Limb-Girdle Muscular Dystrophy Type 9C; MUSCULAR DYSTROPHY-DYSTROGLYCANOPATHY, LIMB-GIRDLE, DAG1-RELATED. Identifiers: Orphanet 280333, MedGen C4511963, MONDO:0013440, OMIM 613818.
Muscular dystrophy-dystroglycanopathy (congenital with brain and eye anomalies), type A9. Also called: Muscular dystrophy-dystroglycanopathy (congenital with brain and eye anomalies), type a, 9; WALKER-WARBURG SYNDROME OR MUSCLE-EYE BRAIN DISEASE, DAG1-RELATED. Identifiers: Orphanet 370997, Orphanet 899, MedGen C4225291, MONDO:0014683, OMIM 616538.

Allele frequency attached by ClinVar (database versions not stated): TOPMed below 0.00001; gnomAD 0.00001.
gnomAD v4.1: 1 of 1,614,020 alleles (0.000062%); highest among the groups gnomAD compares: African/African-American, 0.0013%; no homozygotes.

Submission:

Labcorp Genetics (formerly Invitae), Labcorp
Classification: Uncertain significance for Autosomal recessive limb-girdle muscular dystrophy type 2P; Muscular dystrophy-dystroglycanopathy (congenital with brain and eye anomalies), type A9. Last evaluated: 2022-03-18. Review status: criteria provided, single submitter. Criteria: Invitae Variant Classification Sherloc (09022015). Collection method: clinical testing. Allele origin: germline.
Comment: This sequence change replaces proline, which is neutral and non-polar, with leucine, which is neutral and non-polar, at codon 460 of the DAG1 protein (p.Pro460Leu). This variant is not present in population databases (gnomAD no frequency). This variant has not been reported in the literature in individuals affected with DAG1-related conditions. Algorithms developed to predict the effect of missense changes on protein structure and function are either unavailable or do not agree on the potential impact of this missense change (SIFT: "Deleterious"; PolyPhen-2: "Benign"; Align-GVGD: "Class C0"). In summary, the available evidence is currently insufficient to determine the role of this variant in disease. Therefore, it has been classified as a Variant of Uncertain Significance.

NM_004393.6(DAG1):c.1379C>T (p.Pro460Leu)

Gene: DAG1 (dystroglycan 1; plus strand). Cytogenetic location: 3p21.31.
Variant type: single nucleotide variant.
Coding change: c.1379C>T on transcript NM_004393.6 (MANE Select); coding-DNA position 1379, C replaced by T.
Protein change: p.Pro460Leu; replaces proline 460 with leucine.
Molecular consequence: missense variant.
Genome position (GRCh38, 1-based): chr3:49,531,890, C>T. VCF-style: chr3-49531890-C-T. GRCh37 (hg19) VCF-style: chr3-49569323-C-T.
Other names: c.1379C>T, p.Pro460Leu (NM_001165928.4, NM_001177634.3, NM_001177635.3 and 9 more transcripts); short protein forms P460L.
Identifiers: ClinVar variation 1510768 (VCV001510768.5), dbSNP rs2051359862, ClinGen allele CA352795271.